The following is an entry in ClinVar:

NM_001165963.4(SCN1A):c.474-13T>A

Gene: SCN1A (sodium voltage-gated channel alpha subunit 1; minus strand). Cytogenetic location: 2q24.3.
Variant type: single nucleotide variant.
Coding change: c.474-13T>A on transcript NM_001165963.4 (MANE Select); 13 bases into the intron before coding-DNA position 474, T replaced by A.
Molecular consequence: intron variant.
Genome position (GRCh38, 1-based): chr2:166,054,779, A>T on the plus strand (T>A on the coding strand, the complement: SCN1A is on the minus strand). VCF-style: chr2-166054779-A-T. GRCh37 (hg19) VCF-style: chr2-166911289-A-T.
Other names: c.474-13T>A (NM_001353949.2, NM_001353958.2, NM_001353950.2 and 10 more transcripts); c.-1952-13T>A (NM_001353961.2).
Identifiers: ClinVar variation 378507 (VCV000378507.1), dbSNP rs1057520357, ClinGen allele CA16603958.

ClinVar aggregate classification (germline): Likely benign (1 of 4 stars; one submission).

Submission:

GeneDx
Classification: Likely benign. Last evaluated: 2016-06-09. Review status: criteria provided, single submitter. Criteria: GeneDx Variant Classification (06012015). Collection method: clinical testing. Allele origin: germline. Affected: yes.
Comment: This variant is considered likely benign or benign based on one or more of the following criteria: it is a conservative change, it occurs at a poorly conserved position in the protein, it is predicted to be benign by multiple in silico algorithms, and/or has population frequency not consistent with disease.